The following is an entry in ClinVar:

NM_000043.6(FAS):c.779A>T (p.Asp260Val)

Gene: FAS (Fas cell surface death receptor; plus strand). Cytogenetic location: 10q23.31.
Variant type: single nucleotide variant.
Coding change: c.779A>T on transcript NM_000043.6 (MANE Select); coding-DNA position 779, A replaced by T.
Protein change: p.Asp260Val; replaces aspartic acid 260 with valine.
Molecular consequence: missense variant. On other transcripts: 3 prime UTR variant (2), non-coding transcript variant (7).
Genome position (GRCh38, 1-based): chr10:89,014,221, A>T. VCF-style: chr10-89014221-A-T. GRCh37 (hg19) VCF-style: chr10-90773978-A-T.
Other names: D244V; c.*102A>T (NM_001320619.2); c.716A>T, p.Asp239Val (NM_152871.4); c.*91A>T (NM_152872.4); short protein forms D260V, D239V.
Identifiers: ClinVar variation 16504 (VCV000016504.5), dbSNP rs28929498, ClinGen allele CA126581.
Genomic context (GRCh38, chr10:89,014,221, plus strand): 5'-TGACACTAAGTCAAGTTAAAGGCTTTGTTCGAAAGAATGGTGTCAATGAAGCCAAAATAG[A>T]TGAGATCAAGAATGACAATGTCCAAGACACAGCAGAACAGAAAGTTCAACTGCTTCGTAA-3'
Protein context (NP_000034.1, residues 250-270): RKNGVNEAKI[Asp260Val]EIKNDNVQDT

ClinVar aggregate classification (germline): Pathogenic. Review status: criteria provided, single submitter (1 of 4 stars). 2 submissions from 2 submitters: Pathogenic (1). 1 of the submissions does not count toward it. Last evaluated 2023-06-03.

Conditions:
Autoimmune lymphoproliferative syndrome type 1. Also called: AUTOIMMUNE LYMPHOPROLIFERATIVE SYNDROME, TYPE I, AUTOSOMAL DOMINANT. Identifiers: Orphanet 3261, MedGen C2717884, MONDO:0011158, OMIM 601859.
FAS-related autoimmune lymphoproliferative syndrome. Also called: AUTOIMMUNE LYMPHOPROLIFERATIVE SYNDROME, TYPE IA, AUTOSOMAL RECESSIVE; AUTOIMMUNE LYMPHOPROLIFERATIVE SYNDROME, TYPE IA. Identifiers: MedGen C1866119, MONDO:1060194.

Submissions (2):

Labcorp Genetics (formerly Invitae), Labcorp
Classification: Pathogenic for Autoimmune lymphoproliferative syndrome. Last evaluated: 2023-06-03. Review status: criteria provided, single submitter. Criteria: Invitae Variant Classification Sherloc (09022015). Collection method: clinical testing. Allele origin: germline.
Comment: For these reasons, this variant has been classified as Pathogenic. This variant disrupts the p.Asp260 amino acid residue in FAS. Other variant(s) that disrupt this residue have been determined to be pathogenic (PMID: 18223337, 21490157; Invitae). This suggests that this residue is clinically significant, and that variants that disrupt this residue are likely to be disease-causing. Experimental studies have shown that this missense change affects FAS function (PMID: 20935634). Advanced modeling of protein sequence and biophysical properties (such as structural, functional, and spatial information, amino acid conservation, physicochemical variation, residue mobility, and thermodynamic stability) performed at Invitae indicates that this missense variant is expected to disrupt FAS protein function. ClinVar contains an entry for this variant (Variation ID: 16504). This missense change has been observed in individual(s) with autoimmune lymphoproliferative syndrome (PMID: 9821419). It has also been observed to segregate with disease in related individuals. This variant is not present in population databases (gnomAD no frequency). This sequence change replaces aspartic acid, which is acidic and polar, with valine, which is neutral and non-polar, at codon 260 of the FAS protein (p.Asp260Val).

OMIM
Classification: Pathogenic for AUTOIMMUNE LYMPHOPROLIFERATIVE SYNDROME, TYPE IA. Last evaluated: 1998-11-01. Review status: no assertion criteria provided. Collection method: literature only. Allele origin: germline. Not counted in ClinVar's aggregate classification.

Literature cited by the submitters: PubMed 18223337 (cited by Labcorp Genetics (formerly Invitae), Labcorp); PubMed 21490157 (cited by Labcorp Genetics (formerly Invitae), Labcorp); PubMed 20935634 (cited by Labcorp Genetics (formerly Invitae), Labcorp); PubMed 9821419 (cited by Labcorp Genetics (formerly Invitae), Labcorp and OMIM).